The following is an entry in ClinVar:

NM_021939.4(FKBP10):c.829C>G (p.Pro277Ala)

Gene: FKBP10 (FKBP prolyl isomerase 10; plus strand). Cytogenetic location: 17q21.2.
Variant type: single nucleotide variant.
Coding change: c.829C>G on transcript NM_021939.4 (MANE Select); coding-DNA position 829, C replaced by G.
Protein change: p.Pro277Ala; replaces proline 277 with alanine.
Molecular consequence: missense variant.
Genome position (GRCh38, 1-based): chr17:41,819,311, C>G. VCF-style: chr17-41819311-C-G. GRCh37 (hg19) VCF-style: chr17-39975563-C-G.
Other names: short protein forms P277A.
Identifiers: ClinVar variation 439728 (VCV000439728.19), dbSNP rs138089753, ClinGen allele CA8566376.
Genomic context (GRCh38, chr17:41,819,311, plus strand): 5'-CTCCTGATTGACGTGCACAACCCGAAGGACGCTGTCCAGCTAGAGACGCTGGAGCTCCCC[C>G]CCGGCTGTGTCCGCAGAGCCGGGGCCGGGGACTTCATGCGCTACCACTACAATGGCTCCT-3'
Protein context (NP_068758.3, residues 267-287): AVQLETLELP[Pro277Ala]GCVRRAGAGD

ClinVar aggregate classification (germline): Conflicting classifications of pathogenicity. Review status: criteria provided, conflicting classifications (1 of 4 stars). 7 submissions from 7 submitters: Uncertain significance (5); Likely benign (1). 1 of the submissions does not count toward it. Last evaluated 2026-04-14.

Conditions:
FKBP10-related disorder. Also called: FKBP10-related condition.
Inborn genetic diseases. Identifiers: MedGen C0950123, MeSH D030342.
Osteogenesis imperfecta (OI). Identifiers: Orphanet 666, MedGen C0029434, MeSH D010013, MONDO:0019019.

Allele frequency attached by ClinVar (database versions not stated): ESP Exome Variant Server 0.00023; 1000 Genomes Project 0.00040; 1000 Genomes Project 30x 0.00062.
gnomAD v4.1: 287 of 1,614,164 alleles (0.018%); highest among the groups gnomAD compares: African/African-American, 0.049%; 2 homozygotes.

Submissions (7):

GeneDx
Classification: Uncertain significance. Last evaluated: 2026-04-14. Review status: criteria provided, single submitter. Criteria: GeneDx Variant Classification Process June 2021. Collection method: clinical testing. Allele origin: germline.
Comment: In silico analysis suggests that this missense variant does not alter protein structure/function; Has not been previously published as pathogenic or benign to our knowledge

Ambry Genetics
Classification: Likely benign for Inborn genetic diseases. Last evaluated: 2025-08-19. Review status: criteria provided, single submitter. Criteria: Ambry Variant Classification Scheme 2023. Collection method: clinical testing. Allele origin: germline.

Women's Health and Genetics/Laboratory Corporation of America, LabCorp
Classification: Uncertain significance. Last evaluated: 2024-10-11. Review status: criteria provided, single submitter. Criteria: LabCorp Variant Classification Summary - May 2015. Collection method: clinical testing. Allele origin: germline.
Comment: Variant summary: FKBP10 c.829C>G (p.Pro277Ala) results in a non-conservative amino acid change in the encoded protein sequence. Four of five in-silico tools predict a benign effect of the variant on protein function. The variant allele was found at a frequency of 0.00018 in 250968 control chromosomes. This frequency is not significantly higher than estimated for a pathogenic variant in FKBP10 causing Osteogenesis Imperfecta (0.00018 vs 0.0011), allowing no conclusion about variant significance. To our knowledge, no occurrence of c.829C>G in individuals affected with Osteogenesis Imperfecta and no experimental evidence demonstrating its impact on protein function have been reported. ClinVar contains an entry for this variant (Variation ID: 439728). Based on the evidence outlined above, the variant was classified as uncertain significance.

Labcorp Genetics (formerly Invitae), Labcorp
Classification: Uncertain significance. Last evaluated: 2022-09-12. Review status: criteria provided, single submitter. Criteria: Invitae Variant Classification Sherloc (09022015). Collection method: clinical testing. Allele origin: germline.
Comment: This sequence change replaces proline, which is neutral and non-polar, with alanine, which is neutral and non-polar, at codon 277 of the FKBP10 protein (p.Pro277Ala). This variant is present in population databases (rs138089753, gnomAD 0.06%). This variant has not been reported in the literature in individuals affected with FKBP10-related conditions. ClinVar contains an entry for this variant (Variation ID: 439728). Advanced modeling of protein sequence and biophysical properties (such as structural, functional, and spatial information, amino acid conservation, physicochemical variation, residue mobility, and thermodynamic stability) performed at Invitae indicates that this missense variant is not expected to disrupt FKBP10 protein function. In summary, the available evidence is currently insufficient to determine the role of this variant in disease. Therefore, it has been classified as a Variant of Uncertain Significance.

Genome Diagnostics Laboratory, The Hospital for Sick Children
Classification: Uncertain significance for Osteogenesis imperfecta. Last evaluated: 2018-09-01. Review status: criteria provided, single submitter. Criteria: ACMG Guidelines, 2015. Collection method: clinical testing. Allele origin: germline.

ARUP Laboratories, Molecular Genetics and Genomics, ARUP Laboratories
Classification: Uncertain significance. Last evaluated: 2017-04-11. Review status: criteria provided, single submitter. Criteria: ARUP Molecular Germline Variant Investigation Process. Collection method: clinical testing. Allele origin: germline.

PreventionGenetics, part of Exact Sciences
Classification: Uncertain significance for FKBP10-related condition. Last evaluated: 2024-04-04. Review status: no assertion criteria provided. Collection method: clinical testing. Allele origin: germline. Not counted in ClinVar's aggregate classification.
Comment: The FKBP10 c.829C>G variant is predicted to result in the amino acid substitution p.Pro277Ala. To our knowledge, this variant has not been reported in the literature. This variant is reported in 0.058% of alleles in individuals of Ashkenazi Jewish descent in gnomAD. Although we suspect that this variant may be benign, at this time, the clinical significance of this variant is uncertain due to the absence of conclusive functional and genetic evidence.